The following is an entry in ClinVar:

ClinVar aggregate classification (germline): Uncertain significance (1 of 4 stars; one submission).

Submission:

Labcorp Genetics (formerly Invitae), Labcorp
Classification: Uncertain significance. Last evaluated: 2022-09-27. Review status: criteria provided, single submitter. Criteria: Invitae Variant Classification Sherloc (09022015). Collection method: clinical testing. Allele origin: germline.
Comment: In summary, the available evidence is currently insufficient to determine the role of this variant in disease. Therefore, it has been classified as a Variant of Uncertain Significance. Algorithms developed to predict the effect of missense changes on protein structure and function (SIFT, PolyPhen-2, Align-GVGD) all suggest that this variant is likely to be disruptive. ClinVar contains an entry for this variant (Variation ID: 1432171). This variant has not been reported in the literature in individuals affected with FOXA2-related conditions. This variant is not present in population databases (gnomAD no frequency). This sequence change replaces glycine, which is neutral and non-polar, with aspartic acid, which is acidic and polar, at codon 246 of the FOXA2 protein (p.Gly246Asp).

NM_021784.5(FOXA2):c.737G>A (p.Gly246Asp)

Gene: FOXA2 (forkhead box A2; minus strand). Cytogenetic location: 20p11.21.
Variant type: single nucleotide variant.
Coding change: c.737G>A on transcript NM_021784.5 (MANE Select); coding-DNA position 737, G replaced by A.
Protein change: p.Gly246Asp; replaces glycine 246 with aspartic acid.
Molecular consequence: missense variant.
Genome position (GRCh38, 1-based): chr20:22,582,505, C>T on the plus strand (G>A on the coding strand, the complement: FOXA2 is on the minus strand). VCF-style: chr20-22582505-C-T. GRCh37 (hg19) VCF-style: chr20-22563143-C-T.
Other names: c.719G>A, p.Gly240Asp (NM_153675.3); short protein forms G240D, G246D.
Identifiers: ClinVar variation 1432171 (VCV001432171.8), dbSNP rs2122992814, ClinGen allele CA408501860.